The following is an entry in ClinVar:

ClinVar aggregate classification (germline): Uncertain significance. Review status: criteria provided, multiple submitters, no conflicts (2 of 4 stars). 4 submissions from 4 submitters: Uncertain significance (4). Last evaluated 2025-06-26.

Conditions:
Ehlers-Danlos syndrome, dermatosparaxis type. Also called: EDS VIIC; Dermatosparaxis; Ehlers-Danlos syndrome, type VII, autosomal recessive. Identifiers: Orphanet 1901, MedGen C2700425, MONDO:0009161, OMIM 225410.

Allele frequency attached by ClinVar (database versions not stated): gnomAD 0.00005 and 0.00009; ExAC 0.00007; TOPMed 0.00008; gnomAD exomes 0.00010.
gnomAD v4.1: 98 of 1,613,902 alleles (0.0061%); highest among the groups gnomAD compares: East Asian, 0.0022%; 1 homozygote.

Submissions (4):

Women's Health and Genetics/Laboratory Corporation of America, LabCorp
Classification: Uncertain significance. Last evaluated: 2025-06-26. Review status: criteria provided, single submitter. Criteria: LabCorp Variant Classification Summary - May 2015. Collection method: clinical testing. Allele origin: germline.
Comment: Variant summary: ADAMTS2 c.3367C>T (p.Leu1123Phe) results in a non-conservative amino acid change in the encoded protein sequence. Algorithms developed to predict the effect of missense changes on protein structure and function are either unavailable or do not agree on the potential impact of this missense change. The variant allele was found at a frequency of 0.0001 in 251178 control chromosomes. This frequency is not significantly higher than estimated for a pathogenic variant in ADAMTS2 causing Ehlers-Danlos syndrome, dermatosparaxis type (0.0001 vs 0.0011), allowing no conclusion about variant significance. To our knowledge, no occurrence of c.3367C>T in individuals affected with Ehlers-Danlos syndrome, dermatosparaxis type and no experimental evidence demonstrating its impact on protein function have been reported. ClinVar contains an entry for this variant (Variation ID: 353088). Based on the evidence outlined above, the variant was classified as uncertain significance.

GeneDx
Classification: Uncertain significance. Last evaluated: 2025-03-20. Review status: criteria provided, single submitter. Criteria: GeneDx Variant Classification Process June 2021. Collection method: clinical testing. Allele origin: germline. Affected: yes.
Comment: In silico analysis indicates that this missense variant does not alter protein structure/function; Has not been previously published as pathogenic or benign to our knowledge

Labcorp Genetics (formerly Invitae), Labcorp
Classification: Uncertain significance for Ehlers-Danlos syndrome, dermatosparaxis type. Last evaluated: 2022-05-16. Review status: criteria provided, single submitter. Criteria: Invitae Variant Classification Sherloc (09022015). Collection method: clinical testing. Allele origin: germline.
Comment: This sequence change replaces leucine, which is neutral and non-polar, with phenylalanine, which is neutral and non-polar, at codon 1123 of the ADAMTS2 protein (p.Leu1123Phe). This variant is present in population databases (rs201343773, gnomAD 0.2%). This variant has not been reported in the literature in individuals affected with ADAMTS2-related conditions. ClinVar contains an entry for this variant (Variation ID: 353088). Algorithms developed to predict the effect of missense changes on protein structure and function output the following: SIFT: "Deleterious"; PolyPhen-2: "Benign"; Align-GVGD: "Class C0". The phenylalanine amino acid residue is found in multiple mammalian species, which suggests that this missense change does not adversely affect protein function. In summary, the available evidence is currently insufficient to determine the role of this variant in disease. Therefore, it has been classified as a Variant of Uncertain Significance.

Illumina Laboratory Services, Illumina
Classification: Uncertain significance for Ehlers-Danlos syndrome, dermatosparaxis type. Last evaluated: 2018-01-13. Review status: criteria provided, single submitter. Criteria: ICSL Variant Classification Criteria 13 December 2019. Collection method: clinical testing. Allele origin: germline.

NM_014244.5(ADAMTS2):c.3367C>T (p.Leu1123Phe)

Gene: ADAMTS2 (ADAM metallopeptidase with thrombospondin type 1 motif 2; minus strand). Cytogenetic location: 5q35.3.
Variant type: single nucleotide variant.
Coding change: c.3367C>T on transcript NM_014244.5 (MANE Select); coding-DNA position 3367, C replaced by T.
Protein change: p.Leu1123Phe; replaces leucine 1123 with phenylalanine.
Molecular consequence: missense variant.
Genome position (GRCh38, 1-based): chr5:179,114,136, G>A on the plus strand (C>T on the coding strand, the complement: ADAMTS2 is on the minus strand). VCF-style: chr5-179114136-G-A. GRCh37 (hg19) VCF-style: chr5-178541137-G-A.
Other names: short protein forms L1123F.
Identifiers: ClinVar variation 353088 (VCV000353088.8), dbSNP rs201343773, ClinGen allele CA3595247.